The following is an entry in ClinVar:

NM_000203.5(IDUA):c.719A>G (p.His240Arg)

Gene: IDUA (alpha-L-iduronidase; plus strand). Cytogenetic location: 4p16.3.
Variant type: single nucleotide variant.
Coding change: c.719A>G on transcript NM_000203.5 (MANE Select); coding-DNA position 719, A replaced by G.
Protein change: p.His240Arg; replaces histidine 240 with arginine.
Molecular consequence: missense variant. On other transcripts: non-coding transcript variant (1).
Genome position (GRCh38, 1-based): chr4:1,001,808, A>G. VCF-style: chr4-1001808-A-G. GRCh37 (hg19) VCF-style: chr4-995596-A-G.
Other names: NM_000203.5(IDUA):c.719A>G; p.His240Arg; c.323A>G, p.His108Arg (NM_001363576.1); short protein forms H108R, H240R.
Identifiers: ClinVar variation 947028 (VCV000947028.20), dbSNP rs1297784711, ClinGen allele CA355962127.

ClinVar aggregate classification (germline): Pathogenic. Review status: reviewed by expert panel (3 of 4 stars). 5 submissions from 5 submitters: Pathogenic (1). 4 of the submissions do not count toward it. Last evaluated 2026-08-17.

Conditions:
Mucopolysaccharidosis, MPS-I-H/S. Also called: Mucopolysaccharidosis type IH/S. Identifiers: Orphanet 93476, MedGen C0086431, MONDO:0011759, OMIM 607015.
Mucopolysaccharidosis type 1. Also called: Mucopolysaccharidosis Type I; IDUA deficiency; MPS I. Identifiers: Orphanet 579, MedGen C0023786, MONDO:0001586.

Allele frequency attached by ClinVar (database versions not stated): TOPMed 0.00002; gnomAD 0.00001.
gnomAD v4.1: 21 of 1,604,774 alleles (0.0013%); highest among the groups gnomAD compares: Non-Finnish European, 0.0015%; no homozygotes.

Submissions (5):

ClinGen Lysosomal Storage Disorder Variant Curation Expert Panel
Classification: Pathogenic for Mucopolysaccharidosis type 1. Last evaluated: 2026-08-17. Review status: reviewed by expert panel. Criteria: ClinGen LSD ACMG Specifications IDUA V1.2.0. Collection method: curation. Allele origin: germline. Inheritance: Autosomal recessive inheritance.
Comment: The NM_000203.5:c.719A>G variant in IDUA is a missense variant predicted to cause substitution of Histidine by Arginine at amino acid 240 (p.His240Arg). This variant is absent in gnomAD v4.0. (PM2_Supporting). The computational predictor REVEL gives a score of 0.858 which is above the threshold of 0.773, evidence that correlates with impact to IDUA function at the moderate level based on the specifications of the ClinGen Lysosomal Diseases VCEP (PMID: 36413997) (PP3_Moderate). At least 2 patients with this variant had documented IDUA deficiency within the affected range in leukocytes, another patient was identified to have IDUA deficiency and abnormal urine GAGs, and all the patients listed in the MPS I Registry would have clear phenotypes indicating MPS 1 (PP4_Moderate). PM3_strong This variant has been detected in at least 7 individuals with MPS I. Of those individuals, 5 were compound heterozygous for the variant and a variant in IDUA that has been classified as pathogenic or likely pathogenic variant for MPS I by the ClinGen LD VCEP. The second variant included c.1743C>G (ClinVarID: 550883,PMID: 31194252); c.1163C>G (ClinVarID: 496834, PMID: 31194252); c.1205G>A (ClinVarID: 11908, PMID: PMID: 11735025); and c.65del (ClinVarID: 929238, PMID: 31839529); 2.5 points, (PM3_Strong). Expression of the variant in COS-7 cells resulted in <2% of wild type IDUA activity (when taking into consideration intrinsic IDUA activity in the cells) indicating that this variant may impact protein function (PMID: 11735025) (PS3_Supporting). In summary, this variant meets the criteria to be classified as pathogenic for MPS I based on the IDUA-specific ACMG/AMP criteria applied, as specified by the ClinGen Lysosomal Diseases Variant Curation Expert Panel (Specifications Version 1.2.0): PM2_supporting; PP3_Moderate; PP4_Moderate; PM3_Strong; PS3_Supporting (Classification approved by the ClinGen Lysosomal Diseases Variant Curation Expert Panel on August 17, 2026)

Labcorp Genetics (formerly Invitae), Labcorp
Classification: Pathogenic for Mucopolysaccharidosis type 1. Last evaluated: 2025-10-29. Review status: criteria provided, single submitter. Criteria: Invitae Variant Classification Sherloc (09022015). Collection method: clinical testing. Allele origin: germline. Not counted in ClinVar's aggregate classification.
Comment: This sequence change replaces histidine, which is basic and polar, with arginine, which is basic and polar, at codon 240 of the IDUA protein (p.His240Arg). This variant is not present in population databases (gnomAD no frequency). This missense change has been observed in individual(s) with mucopolysaccharidosis type I (PMID: 11735025, 22976768, 31194252). ClinVar contains an entry for this variant (Variation ID: 947028). Invitae Evidence Modeling of protein sequence and biophysical properties (such as structural, functional, and spatial information, amino acid conservation, physicochemical variation, residue mobility, and thermodynamic stability) indicates that this missense variant is expected to disrupt IDUA protein function with a positive predictive value of 80%. Experimental studies have shown that this missense change affects IDUA function (PMID: 11735025). This variant disrupts the p.His240 amino acid residue in IDUA. Other variant(s) that disrupt this residue have been observed in individuals with IDUA-related conditions (PMID: 24875751), which suggests that this may be a clinically significant amino acid residue. For these reasons, this variant has been classified as Pathogenic.

Natera, Inc.
Classification: Likely pathogenic for Mucopolysaccharidosis type I. Last evaluated: 2025-01-28. Review status: criteria provided, single submitter. Criteria: Natera Variant Classification Schema (03/2026). Collection method: clinical testing. Allele origin: germline. Not counted in ClinVar's aggregate classification.
Comment: The c.719A>G variant in IDUA is a missense variant predicted to cause substitution of histidine to arginine at amino acid 240. This variant is expected to result in nonsense mediated decay, truncation, or a dysfunctional protein product. This variant is rare in the general population with a frequency below the threshold expected for the associated phenotype(s). This variant has been observed in one or more individuals affected with the associated recessive disease, as either homozygous or compound heterozygous with a second variant (PMID: 24944099, 36011334, 34638692). Given the available evidence, this variant is classified as Likely Pathogenic.

Revvity Omics, Revvity
Classification: Pathogenic. Last evaluated: 2024-05-02. Review status: criteria provided, single submitter. Criteria: ACMG Guidelines, 2015. Collection method: clinical testing. Allele origin: germline. Not counted in ClinVar's aggregate classification.

Myriad Genetics, Inc.
Classification: Likely pathogenic for Mucopolysaccharidosis, MPS-I-H/S. Last evaluated: 2021-11-08. Review status: criteria provided, single submitter. Criteria: Myriad Women's Health Autosomal Recessive and X-Linked Classification Criteria (2021). Collection method: clinical testing. Allele origin: unknown. Not counted in ClinVar's aggregate classification.
Comment: NM_000203.3(IDUA):c.719A>G(H240R) is a missense variant classified as likely pathogenic in the context of mucopolysaccharidosis type I. H240R has been observed in cases with relevant disease (PMID: 11735025, 22976768, 31194252). Functional assessments of this variant are available in the literature (PMID: 11735025). H240R has not been observed in population frequency databases. In summary, NM_000203.3(IDUA):c.719A>G(H240R) is a missense variant that has functional support for pathogenicity and has been observed more frequently in cases with the relevant disease than in healthy populations. Please note: this variant was assessed in the context of healthy population screening.

Literature cited by the submitters: PubMed 11735025 (cited by Labcorp Genetics (formerly Invitae), Labcorp and Myriad Genetics, Inc.); PubMed 22976768 (cited by Labcorp Genetics (formerly Invitae), Labcorp and Myriad Genetics, Inc.); PubMed 31194252 (cited by Labcorp Genetics (formerly Invitae), Labcorp and Myriad Genetics, Inc.); PubMed 24875751 (cited by Labcorp Genetics (formerly Invitae), Labcorp); PubMed 24944099 (cited by Natera, Inc.); PubMed 36011334 (cited by Natera, Inc.); PubMed 34638692 (cited by Natera, Inc.).